The following is an entry in ClinVar:

NM_020778.5(ALPK3):c.3332T>A (p.Met1111Lys)

Gene: ALPK3 (alpha kinase 3; plus strand). Cytogenetic location: 15q25.3.
Variant type: single nucleotide variant.
Coding change: c.3332T>A on transcript NM_020778.5 (MANE Select); coding-DNA position 3332, T replaced by A.
Protein change: p.Met1111Lys; replaces methionine 1111 with lysine.
Molecular consequence: missense variant.
Genome position (GRCh38, 1-based): chr15:84,858,070, T>A. VCF-style: chr15-84858070-T-A. GRCh37 (hg19) VCF-style: chr15-85401301-T-A.
Other names: short protein forms M1111K.
Identifiers: ClinVar variation 3532623 (VCV003532623.1).

ClinVar aggregate classification (germline): Uncertain significance (1 of 4 stars; one submission).

Conditions:
Cardiovascular phenotype. Identifiers: MedGen CN230736.

Submission:

Ambry Genetics
Classification: Uncertain significance for Cardiovascular phenotype. Last evaluated: 2024-07-15. Review status: criteria provided, single submitter. Criteria: Ambry Variant Classification Scheme 2023. Collection method: clinical testing. Allele origin: germline.
Comment: The p.M1313K variant (also known as c.3938T>A), located in coding exon 6 of the ALPK3 gene, results from a T to A substitution at nucleotide position 3938. The methionine at codon 1313 is replaced by lysine, an amino acid with similar properties. This amino acid position is conserved. In addition, this alteration is predicted to be tolerated by in silico analysis. Based on the available evidence, the clinical significance of this variant remains unclear.